The following is an entry in ClinVar:

NM_000057.4(BLM):c.3375A>T (p.Lys1125Asn)

Gene: BLM (BLM RecQ like helicase; plus strand). Cytogenetic location: 15q26.1.
Variant type: single nucleotide variant.
Coding change: c.3375A>T on transcript NM_000057.4 (MANE Select); coding-DNA position 3375, A replaced by T.
Protein change: p.Lys1125Asn; replaces lysine 1125 with asparagine.
Molecular consequence: missense variant. On other transcripts: intron variant (1).
Genome position (GRCh38, 1-based): chr15:90,803,537, A>T. VCF-style: chr15-90803537-A-T. GRCh37 (hg19) VCF-style: chr15-91346767-A-T.
Other names: c.3375A>T, p.Lys1125Asn (NM_001287246.2); c.2250A>T, p.Lys750Asn (NM_001287248.2); c.3358+5200A>T (NM_001287247.2); short protein forms K1125N, K750N.
Identifiers: ClinVar variation 3621515 (VCV003621515.2).
Genomic context (GRCh38, chr15:90,803,537, plus strand): 5'-TATACGTACATTTACTCATCTTACTTCCTGTATCTTCTTATCAGGGAGTAAGAGTGCAAA[A>T]ATCCAGTCAGGTATATTTGGAAAAGGATCTGCTTATTCACGACACAATGCCGAAAGACTT-3'
Protein context (NP_000048.1, residues 1115-1135): VDIFLGSKSA[Lys1125Asn]IQSGIFGKGS

ClinVar aggregate classification (germline): Uncertain significance (1 of 4 stars; one submission).

Conditions:
Bloom syndrome (BLM). Also called: Bloom-Torre-Machacek syndrome. Identifiers: Orphanet 125, MedGen C0005859, MONDO:0008876, OMIM 210900.

Submission:

Labcorp Genetics (formerly Invitae), Labcorp
Classification: Uncertain significance for Bloom syndrome. Last evaluated: 2024-03-06. Review status: criteria provided, single submitter. Criteria: Invitae Variant Classification Sherloc (09022015). Collection method: clinical testing. Allele origin: germline.
Comment: This sequence change replaces lysine, which is basic and polar, with asparagine, which is neutral and polar, at codon 1125 of the BLM protein (p.Lys1125Asn). This variant is not present in population databases (gnomAD no frequency). This variant has not been reported in the literature in individuals affected with BLM-related conditions. Advanced modeling of protein sequence and biophysical properties (such as structural, functional, and spatial information, amino acid conservation, physicochemical variation, residue mobility, and thermodynamic stability) performed at Invitae indicates that this missense variant is not expected to disrupt BLM protein function with a negative predictive value of 80%. In summary, the available evidence is currently insufficient to determine the role of this variant in disease. Therefore, it has been classified as a Variant of Uncertain Significance.